The following is an entry in ClinVar:

ClinVar aggregate classification (germline): Uncertain significance. Review status: criteria provided, multiple submitters, no conflicts (2 of 4 stars). 2 submissions from 2 submitters: Uncertain significance (2). Last evaluated 2025-12-16.

Conditions:
Fanconi anemia (FA). Also called: Fanconi's anemia. Identifiers: Orphanet 84, MedGen C0015625, MeSH D005199, MONDO:0019391.
FANCB-related disorder. Also called: FANCB-related condition.

Allele frequency attached by ClinVar (database versions not stated): gnomAD 0.00001.

Submissions (2):

Labcorp Genetics (formerly Invitae), Labcorp
Classification: Uncertain significance for Fanconi anemia. Last evaluated: 2025-12-16. Review status: criteria provided, single submitter. Criteria: Invitae Variant Classification Sherloc (09022015). Collection method: clinical testing. Allele origin: germline.
Comment: This sequence change replaces arginine, which is basic and polar, with glycine, which is neutral and non-polar, at codon 613 of the FANCB protein (p.Arg613Gly). This variant is present in population databases (no rsID available, gnomAD 0.006%), including at least one homozygous and/or hemizygous individual. This variant has not been reported in the literature in individuals affected with FANCB-related conditions. ClinVar contains an entry for this variant (Variation ID: 2637367). Invitae Evidence Modeling of protein sequence and biophysical properties (such as structural, functional, and spatial information, amino acid conservation, physicochemical variation, residue mobility, and thermodynamic stability) indicates that this missense variant is not expected to disrupt FANCB protein function with a negative predictive value of 80%. In summary, the available evidence is currently insufficient to determine the role of this variant in disease. Therefore, it has been classified as a Variant of Uncertain Significance.

PreventionGenetics, part of Exact Sciences
Classification: Uncertain significance for FANCB-related condition. Last evaluated: 2023-05-24. Review status: criteria provided, single submitter. Criteria: ACMG Guidelines, 2015. Collection method: clinical testing. Allele origin: germline.
Comment: The FANCB c.1837C>G variant is predicted to result in the amino acid substitution p.Arg613Gly. To our knowledge, this variant has not been reported in the literature. This variant is reported in 0.0060% of alleles in individuals of South Asian descent in gnomAD. At this time, the clinical significance of this variant is uncertain due to the absence of conclusive functional and genetic evidence.

NM_001018113.3(FANCB):c.1837C>G (p.Arg613Gly)

Gene: FANCB (FA complementation group B; minus strand). Cytogenetic location: Xp22.2.
Variant type: single nucleotide variant.
Coding change: c.1837C>G on transcript NM_001018113.3 (MANE Select); coding-DNA position 1837, C replaced by G.
Protein change: p.Arg613Gly; replaces arginine 613 with glycine.
Molecular consequence: missense variant.
Genome position (GRCh38, 1-based): chrX:14,844,946, G>C on the plus strand (C>G on the coding strand, the complement: FANCB is on the minus strand). VCF-style: chrX-14844946-G-C. GRCh37 (hg19) VCF-style: chrX-14863068-G-C.
Other names: c.1837C>G, p.Arg613Gly (NM_001410764.1, NM_152633.4, NM_001324162.2); short protein forms R613G.
Identifiers: ClinVar variation 2637367 (VCV002637367.3), dbSNP rs1021143964, ClinGen allele CA327057900.
Genomic context (GRCh38, chrX:14,844,946, plus strand): 5'-GGTACTTCCCAGTTGAAAGATCTTCTAGACTTAAAAAAACTCTGCCACACACAACATAAC[G>C]ATCTTTAGGACAGTTACCACTTTCTCTCTCCATAATTTGTAGCAGTACAGTGCAACAAAA-3'
Protein context (NP_001018123.1, residues 603-623): ERESGNCPKD[Arg613Gly]YVVCGRVFLS